The following is an entry in ClinVar:

ClinVar aggregate classification (germline): Likely benign. Review status: criteria provided, multiple submitters, no conflicts (2 of 4 stars). 3 submissions from 3 submitters: Likely benign (3). Last evaluated 2026-05-01.

Conditions:
Vici syndrome (VICIS). Identifiers: Orphanet 1493, MedGen C1855772, MONDO:0009452, OMIM 242840.

Allele frequency attached by ClinVar (database versions not stated): ESP Exome Variant Server 0.00008; gnomAD exomes 0.00012 and 0.00016; gnomAD 0.00013 and 0.00015; ExAC 0.00017; TOPMed 0.00019.
gnomAD v4.1: 200 of 1,613,708 alleles (0.012%); highest among the groups gnomAD compares: Middle Eastern, 0.17%; no homozygotes.

Submissions (3):

CeGaT Center for Human Genetics Tuebingen
Classification: Likely benign. Last evaluated: 2026-05-01. Review status: criteria provided, single submitter. Criteria: CeGaT Center For Human Genetics Tuebingen Variant Classification Criteria Version 2. Collection method: clinical testing. Allele origin: germline. Affected: yes. Observed: 2 variant alleles.
Comment: EPG5: BP4, BP7

Labcorp Genetics (formerly Invitae), Labcorp
Classification: Likely benign for Vici syndrome. Last evaluated: 2026-01-11. Review status: criteria provided, single submitter. Criteria: Invitae Variant Classification Sherloc (09022015). Collection method: clinical testing. Allele origin: germline.

Blueprint Genetics
Classification: Likely benign. Last evaluated: 2024-11-17. Review status: criteria provided, single submitter. Criteria: ACMG Guidelines, 2015. Collection method: clinical testing. Allele origin: germline.

NM_020964.3(EPG5):c.7311C>T (p.Ser2437=)

Gene: EPG5 (ectopic P-granules 5 autophagy tethering factor; minus strand). Cytogenetic location: 18q12.3.
Variant type: single nucleotide variant.
Coding change: c.7311C>T on transcript NM_020964.3 (MANE Select); coding-DNA position 7311, C replaced by T.
Protein change: p.Ser2437=; no amino-acid change (serine 2437 retained).
Molecular consequence: synonymous variant.
Genome position (GRCh38, 1-based): chr18:45,857,984, G>A on the plus strand (C>T on the coding strand, the complement: EPG5 is on the minus strand). VCF-style: chr18-45857984-G-A. GRCh37 (hg19) VCF-style: chr18-43437949-G-A.
Identifiers: ClinVar variation 735227 (VCV000735227.18), dbSNP rs377487870, ClinGen allele CA8948026.
Genomic context (GRCh38, chr18:45,857,984, plus strand): 5'-CACGAGGTTCTGCCTGCTCTGAACCAAGAGCAGAATTCGAATGACAGATTCTGTCAGGAC[G>A]GAGTCATTCTGCTCTGTCTGAATGAGGGAGAGCTGAAGGACTTGGTGCCACCACAAAAAC-3'
Protein context (NP_066015.2, residues 2427-2447): LSLIQTEQND[Ser2437=]VLTESVIRIL